The following is an entry in ClinVar:

NM_014956.5(CEP164):c.61A>G (p.Thr21Ala)

Gene: CEP164 (centrosomal protein 164; plus strand). Cytogenetic location: 11q23.3.
Variant type: single nucleotide variant.
Coding change: c.61A>G on transcript NM_014956.5 (MANE Select); coding-DNA position 61, A replaced by G.
Protein change: p.Thr21Ala; replaces threonine 21 with alanine.
Molecular consequence: missense variant. On other transcripts: intron variant (1).
Genome position (GRCh38, 1-based): chr11:117,338,647, A>G. VCF-style: chr11-117338647-A-G. GRCh37 (hg19) VCF-style: chr11-117209363-A-G.
Other names: c.61A>G, p.Thr21Ala (NM_001271933.2, NM_001440949.1, NM_001440950.1 and 36 more transcripts); c.-57+2967A>G (NM_001440960.1); short protein forms T21A.
Identifiers: ClinVar variation 4992367 (VCV004992367.1).

ClinVar aggregate classification (germline): Uncertain significance (1 of 4 stars; one submission).

Conditions:
CEP164-related disorder. Also called: CEP164-related condition.

Submission:

PreventionGenetics, part of Exact Sciences
Classification: Uncertain significance for CEP164-related condition. Last evaluated: 2025-10-22. Review status: criteria provided, single submitter. Criteria: ACMG Guidelines, 2015. Collection method: clinical testing. Allele origin: germline.
Comment: The CEP164 c.61A>G variant is predicted to result in the amino acid substitution p.Thr21Ala. To our knowledge, this variant has not been reported in the literature or in a large population database (gnomAD), indicating this variant is rare. At this time, the clinical significance of this variant is uncertain due to the absence of conclusive functional and genetic evidence.